The following is an entry in ClinVar:

ClinVar aggregate classification (germline): Uncertain significance. Review status: criteria provided, single submitter (1 of 4 stars). 2 submissions from 2 submitters: Uncertain significance (1). 1 of the submissions does not count toward it. Last evaluated 2025-06-29.

Conditions:
CFTR-related disorder (CFTR-RD). Also called: CFTR-related disorders; CFTR-related condition. Identifiers: MedGen C5924204, MONDO:7770004.
Cystic fibrosis (CF). Also called: MUCOVISCIDOSIS. Identifiers: Orphanet 586, MedGen C0010674, MONDO:0009061, OMIM 219700. Disease mechanism: loss of function.

Submissions (2):

Ambry Genetics
Classification: Uncertain significance for Cystic fibrosis. Last evaluated: 2025-06-29. Review status: criteria provided, single submitter. Criteria: Ambry Variant Classification Scheme 2023. Collection method: clinical testing. Allele origin: germline.
Comment: The p.S1455L variant (also known as c.4364C>T), located in coding exon 27 of the CFTR gene, results from a C to T substitution at nucleotide position 4364. The serine at codon 1455 is replaced by leucine, an amino acid with dissimilar properties. This amino acid position is conserved. In addition, this alteration is predicted to be deleterious by in silico analysis. Based on the available evidence, the clinical significance of this variant remains unclear.

Natera, Inc.
Classification: Uncertain significance for CFTR-related disorders. Last evaluated: 2025-05-01. Review status: no assertion criteria provided. Collection method: clinical testing. Allele origin: germline. Not counted in ClinVar's aggregate classification.

NM_000492.4(CFTR):c.4364C>T (p.Ser1455Leu)

Genes: CFTR (CF transmembrane conductance regulator; plus strand), LOC111674477 (CFTR intron 23 enhancer; plus strand). Cytogenetic location: 7q31.2.
Variant type: single nucleotide variant.
Coding change: c.4364C>T on transcript NM_000492.4 (MANE Select); coding-DNA position 4364, C replaced by T.
Protein change: p.Ser1455Leu; replaces serine 1455 with leucine.
Molecular consequence: missense variant.
Genome position (GRCh38, 1-based): chr7:117,667,029, C>T. VCF-style: chr7-117667029-C-T. GRCh37 (hg19) VCF-style: chr7-117307083-C-T.
Other names: short protein forms S1455L.
Identifiers: ClinVar variation 4064446 (VCV004064446.2).
Genomic context (GRCh38, chr7:117,667,029, plus strand): 5'-GCCTCTTCCGGCAAGCCATCAGCCCCTCCGACAGGGTGAAGCTCTTTCCCCACCGGAACT[C>T]AAGCAAGTGCAAGTCTAAGCCCCAGATTGCTGCTCTGAAAGAGGAGACAGAAGAAGAGGT-3'
Protein context (NP_000483.3, residues 1445-1465): DRVKLFPHRN[Ser1455Leu]SKCKSKPQIA